The following is an entry in ClinVar:

ClinVar aggregate classification (germline): Uncertain significance (1 of 4 stars; one submission).

Conditions:
Distal myopathy with posterior leg and anterior hand involvement. Also called: WILLIAMS DISTAL MYOPATHY. Identifiers: Orphanet 63273, MedGen C3279722, MONDO:0013550, OMIM 614065.
Myofibrillar myopathy 5. Also called: Filaminopathy (type); FILAMINOPATHY, AUTOSOMAL DOMINANT. Identifiers: Orphanet 171445, MedGen C1836050, MONDO:0012289, OMIM 609524.
Hypertrophic cardiomyopathy 26. Also called: Cardiomyopathy, familial hypertrophic, 26. Identifiers: Orphanet 75249, MedGen C4310749, MONDO:0014883, OMIM 617047.

Submission:

Labcorp Genetics (formerly Invitae), Labcorp
Classification: Uncertain significance for Distal myopathy with posterior leg and anterior hand involvement; Myofibrillar myopathy 5; Hypertrophic cardiomyopathy 26. Last evaluated: 2017-01-10. Review status: criteria provided, single submitter. Criteria: Invitae Variant Classification Sherloc (09022015). Collection method: clinical testing. Allele origin: germline.
Comment: Algorithms developed to predict the effect of missense changes on protein structure and function output the following: (SIFT: "Tolerated"; PolyPhen-2: "Benign"; Align-GVGD: "Class C0"). The alanine amino acid residue is found in multiple mammalian species, suggesting that this missense change does not adversely affect protein function. These predictions have not been confirmed by published functional studies. This variant is not present in population databases (ExAC no frequency) and has not been reported in the literature in individuals with a FLNC-related disease. This sequence change replaces glycine with alanine at codon 369 of the FLNC protein (p.Gly369Ala). The glycine residue is weakly conserved and there is a small physicochemical difference between glycine and alanine. In summary, this variant is a novel missense change that is not predicted to affect protein function. There is no indication that it causes disease, but the available evidence is currently insufficient to prove that conclusively. Therefore, it has been classified as a Variant of Uncertain Significance.

NM_001458.5(FLNC):c.1106G>C (p.Gly369Ala)

Gene: FLNC (filamin C; plus strand). Cytogenetic location: 7q32.1.
Variant type: single nucleotide variant.
Coding change: c.1106G>C on transcript NM_001458.5 (MANE Select); coding-DNA position 1106, G replaced by C.
Protein change: p.Gly369Ala; replaces glycine 369 with alanine.
Molecular consequence: missense variant.
Genome position (GRCh38, 1-based): chr7:128,838,325, G>C. VCF-style: chr7-128838325-G-C. GRCh37 (hg19) VCF-style: chr7-128478379-G-C.
Other names: c.1106G>C, p.Gly369Ala (NM_001127487.2); short protein forms G369A.
Identifiers: ClinVar variation 471961 (VCV000471961.9), dbSNP rs754733061, ClinGen allele CA369223716.